The following is an entry in ClinVar:

NM_001080421.3(UNC13A):c.3619G>A (p.Glu1207Lys)

Gene: UNC13A (unc-13 homolog A; minus strand). Cytogenetic location: 19p13.11.
Variant type: single nucleotide variant.
Coding change: c.3619G>A on transcript NM_001080421.3 (MANE Select); coding-DNA position 3619, G replaced by A.
Protein change: p.Glu1207Lys; replaces glutamic acid 1207 with lysine.
Molecular consequence: missense variant.
Genome position (GRCh38, 1-based): chr19:17,630,195, C>T on the plus strand (G>A on the coding strand, the complement: UNC13A is on the minus strand). VCF-style: chr19-17630195-C-T. GRCh37 (hg19) VCF-style: chr19-17741004-C-T.
Other names: c.3613G>A, p.Glu1205Lys (NM_001387021.1, NM_001387022.1, NM_001387023.1); short protein forms E1205K, E1207K.
Identifiers: ClinVar variation 2629313 (VCV002629313.1), dbSNP rs1055405161, ClinGen allele CA306091229.
Genomic context (GRCh38, chr19:17,630,195, plus strand): 5'-TCTCCCACACCTTGGCAAAGCGCCTCATGTAGTGCCCCACGATCTGAGGGTCGGGACACT[C>T]GAGTTTCTTGATGATTTCAAAGCTCTGGTTGAGTTGGGAGAAAACATCCACCACGGAGCA-3'
Protein context (NP_001073890.2, residues 1197-1217): NQSFEIIKKL[Glu1207Lys]CPDPQIVGHY

ClinVar aggregate classification (germline): Uncertain significance (1 of 4 stars; one submission).

Conditions:
UNC13A-related disorder. Also called: UNC13A-related condition.

Allele frequency attached by ClinVar (database versions not stated): TOPMed below 0.00001; gnomAD 0.00001; gnomAD exomes 0.00001.
gnomAD v4.1: 21 of 1,552,240 alleles (0.0014%); highest among the groups gnomAD compares: East Asian, 0.0024%; no homozygotes.

Submission:

PreventionGenetics, part of Exact Sciences
Classification: Uncertain significance for UNC13A-related condition. Last evaluated: 2022-09-27. Review status: criteria provided, single submitter. Criteria: ACMG Guidelines, 2015. Collection method: clinical testing. Allele origin: germline.
Comment: The UNC13A c.3619G>A variant is predicted to result in the amino acid substitution p.Glu1207Lys. To our knowledge, this variant has not been reported in the literature. This variant is reported in 0.0080% of alleles in individuals of East Asian descent in gnomAD. At this time, the clinical significance of this variant is uncertain due to the absence of conclusive functional and genetic evidence.